The following is an entry in ClinVar:

ClinVar aggregate classification (germline): Conflicting classifications of pathogenicity. Review status: criteria provided, conflicting classifications (1 of 4 stars). 3 submissions from 3 submitters: Uncertain significance (1); Benign (1); Likely benign (1). Last evaluated 2026-09-26.

Conditions:
KCNJ1-related disorder. Also called: KCNJ1-related condition.

Allele frequency attached by ClinVar (database versions not stated): ExAC 0.00002; gnomAD exomes 0.00027; TOPMed 0.00057; gnomAD 0.00076 and 0.00081.
gnomAD v4.1: 186 of 1,614,140 alleles (0.012%); highest among the groups gnomAD compares: Admixed American, 0.31%; 4 homozygotes.

Submissions (3):

PreventionGenetics, part of Exact Sciences
Classification: Likely benign for KCNJ1-related condition. Last evaluated: 2026-09-26. Review status: criteria provided, single submitter. Criteria: ACMG Guidelines, 2015. Collection method: clinical testing. Allele origin: germline.
Comment: This variant is classified as likely benign based on ACMG/AMP sequence variant interpretation guidelines (Richards et al. 2015 PMID: 25741868, with internal and published modifications).

Labcorp Genetics (formerly Invitae), Labcorp
Classification: Benign. Last evaluated: 2026-01-26. Review status: criteria provided, single submitter. Criteria: Invitae Variant Classification Sherloc (09022015). Collection method: clinical testing. Allele origin: germline.

Center for Pediatric Genomic Medicine, Children's Mercy Hospital and Clinics
Classification: Uncertain significance. Last evaluated: 2016-09-28. Review status: criteria provided, single submitter. Criteria: ACMG Guidelines, 2015. Collection method: clinical testing. Allele origin: germline.
ClinVar note: Converted during submission from Uncertain Significance to Uncertain significance.

NM_153766.3(KCNJ1):c.180C>T (p.Tyr60=)

Gene: KCNJ1 (potassium inwardly rectifying channel subfamily J member 1; minus strand). Cytogenetic location: 11q24.3.
Variant type: single nucleotide variant.
Coding change: c.180C>T on transcript NM_153766.3 (MANE Select); coding-DNA position 180, C replaced by T.
Protein change: p.Tyr60=; no amino-acid change (tyrosine 60 retained).
Molecular consequence: synonymous variant.
Genome position (GRCh38, 1-based): chr11:128,840,064, G>A on the plus strand (C>T on the coding strand, the complement: KCNJ1 is on the minus strand). VCF-style: chr11-128840064-G-A. GRCh37 (hg19) VCF-style: chr11-128709959-G-A.
Other names: c.237C>T, p.Tyr79= (NM_000220.6); c.180C>T, p.Tyr60= (NM_153764.3, NM_153767.4); c.231C>T, p.Tyr77= (NM_153765.3); c.237C>T (NM_000220.4).
Identifiers: ClinVar variation 376831 (VCV000376831.9), dbSNP rs104894244, ClinGen allele CA6357557.